The following is an entry in ClinVar:

NM_001172509.2(SATB2):c.806A>C (p.Glu269Ala)

Gene: SATB2 (SATB homeobox 2; minus strand). Cytogenetic location: 2q33.1.
Variant type: single nucleotide variant.
Coding change: c.806A>C on transcript NM_001172509.2 (MANE Select); coding-DNA position 806, A replaced by C.
Protein change: p.Glu269Ala; replaces glutamic acid 269 with alanine.
Molecular consequence: missense variant.
Genome position (GRCh38, 1-based): chr2:199,349,068, T>G on the plus strand (A>C on the coding strand, the complement: SATB2 is on the minus strand). VCF-style: chr2-199349068-T-G. GRCh37 (hg19) VCF-style: chr2-200213791-T-G.
Other names: c.806A>C, p.Glu269Ala (NM_001172517.1, NM_015265.4); short protein forms E269A.
Identifiers: ClinVar variation 1718723 (VCV001718723.6), dbSNP rs2468897150, ClinGen allele CA350388097.

ClinVar aggregate classification (germline): Uncertain significance (1 of 4 stars; one submission).

Conditions:
Chromosome 2q32-q33 deletion syndrome (GLASS). Also called: Glass syndrome; 2q33.1 deletion syndrome. Identifiers: Orphanet 251019, MedGen C2676739, MONDO:0012864, OMIM 612313.

Submission:

Labcorp Genetics (formerly Invitae), Labcorp
Classification: Uncertain significance for Chromosome 2q32-q33 deletion syndrome. Last evaluated: 2022-07-19. Review status: criteria provided, single submitter. Criteria: Invitae Variant Classification Sherloc (09022015). Collection method: clinical testing. Allele origin: germline.
Comment: This sequence change replaces glutamic acid, which is acidic and polar, with alanine, which is neutral and non-polar, at codon 269 of the SATB2 protein (p.Glu269Ala). In summary, the available evidence is currently insufficient to determine the role of this variant in disease. Therefore, it has been classified as a Variant of Uncertain Significance. Advanced modeling of protein sequence and biophysical properties (such as structural, functional, and spatial information, amino acid conservation, physicochemical variation, residue mobility, and thermodynamic stability) performed at Invitae indicates that this missense variant is not expected to disrupt SATB2 protein function. This variant has not been reported in the literature in individuals affected with SATB2-related conditions. This variant is not present in population databases (gnomAD no frequency).